The following is an entry in ClinVar:

NM_006506.5(RASA2):c.2465A>G (p.Glu822Gly)

Gene: RASA2 (RAS p21 protein activator 2; plus strand). Cytogenetic location: 3q23.
Variant type: single nucleotide variant.
Coding change: c.2465A>G on transcript NM_006506.5 (MANE Select); coding-DNA position 2465, A replaced by G.
Protein change: p.Glu822Gly; replaces glutamic acid 822 with glycine.
Molecular consequence: missense variant.
Genome position (GRCh38, 1-based): chr3:141,610,012, A>G. VCF-style: chr3-141610012-A-G. GRCh37 (hg19) VCF-style: chr3-141328854-A-G.
Other names: c.2468A>G, p.Glu823Gly (NM_001303245.3); c.2477A>G, p.Glu826Gly (NM_001303246.3); short protein forms E822G, E823G, E826G.
Identifiers: ClinVar variation 3430485 (VCV003430485.1).

ClinVar aggregate classification (germline): Uncertain significance (1 of 4 stars; one submission).

Submission:

Ambry Genetics
Classification: Uncertain significance. Last evaluated: 2024-11-10. Review status: criteria provided, single submitter. Criteria: Ambry Variant Classification Scheme 2023. Collection method: clinical testing. Allele origin: germline.
Comment: The p.E822G variant (also known as c.2465A>G), located in coding exon 23 of the RASA2 gene, results from an A to G substitution at nucleotide position 2465. The glutamic acid at codon 822 is replaced by glycine, an amino acid with similar properties. This amino acid position is conserved. In addition, the in silico prediction for this alteration is inconclusive. Based on the available evidence, the clinical significance of this variant remains unclear.